The following is an entry in ClinVar:

ClinVar aggregate classification (germline): Benign/Likely benign. Review status: criteria provided, multiple submitters, no conflicts (2 of 4 stars). 2 submissions from 2 submitters: Benign (1); Likely benign (1). Last evaluated 2025-11-03.

Conditions:
Norman-Roberts syndrome (LIS2). Also called: Lissencephaly 2 (Norman-Roberts type). Identifiers: Orphanet 89844, MedGen C0796089, MONDO:0009760, OMIM 257320.
Familial temporal lobe epilepsy 7. Identifiers: Orphanet 101046, MedGen C4225327, MONDO:0014639, OMIM 616436.

Allele frequency attached by ClinVar (database versions not stated): gnomAD exomes 0.00003 and 0.00007; ExAC 0.00004; TOPMed 0.00012; gnomAD 0.00016 and 0.00019.
gnomAD v4.1: 69 of 1,614,156 alleles (0.0043%); highest among the groups gnomAD compares: African/African-American, 0.033%; no homozygotes.

Submissions (2):

Labcorp Genetics (formerly Invitae), Labcorp
Classification: Likely benign for Familial temporal lobe epilepsy 7; Norman-Roberts syndrome. Last evaluated: 2025-11-03. Review status: criteria provided, single submitter. Criteria: Invitae Variant Classification Sherloc (09022015). Collection method: clinical testing. Allele origin: germline.

Athena Diagnostics
Classification: Benign. Last evaluated: 2025-04-17. Review status: criteria provided, single submitter. Criteria: Athena Diagnostics Criteria. Collection method: clinical testing. Allele origin: unknown.
Comment: The frequency of this variant in the general population is higher than would generally be expected for pathogenic variants in this gene. Computational tools yielded predictions that this variant is unlikely to have an effect on normal RNA splicing. This nucleotide position exhibits low evolutionary conservation.

NM_005045.4(RELN):c.4704G>A (p.Ala1568=)

Gene: RELN (reelin; minus strand). Cytogenetic location: 7q22.1.
Variant type: single nucleotide variant.
Coding change: c.4704G>A on transcript NM_005045.4 (MANE Select); coding-DNA position 4704, G replaced by A.
Protein change: p.Ala1568=; no amino-acid change (alanine 1568 retained).
Molecular consequence: synonymous variant.
Genome position (GRCh38, 1-based): chr7:103,566,644, C>T on the plus strand (G>A on the coding strand, the complement: RELN is on the minus strand). VCF-style: chr7-103566644-C-T. GRCh37 (hg19) VCF-style: chr7-103207091-C-T.
Other names: c.4704G>A, p.Ala1568= (NM_173054.3); c.4704G>A (NM_005045.3).
Identifiers: ClinVar variation 1160723 (VCV001160723.10), dbSNP rs780749647, ClinGen allele CA4421435.